The following is an entry in ClinVar:

ClinVar aggregate classification (germline): Uncertain significance (1 of 4 stars; one submission).

Conditions:
Hereditary cancer-predisposing syndrome. Also called: Tumor predisposition; Hereditary neoplastic syndrome; Hereditary Cancer Syndrome; Neoplastic Syndromes, Hereditary. Identifiers: Orphanet 140162, MedGen C0027672, MeSH D009386, MONDO:0015356.

Submission:

Ambry Genetics
Classification: Uncertain significance for Hereditary cancer-predisposing syndrome. Last evaluated: 2023-10-15. Review status: criteria provided, single submitter. Criteria: Ambry Variant Classification Scheme 2023. Collection method: clinical testing. Allele origin: germline.
Comment: The p.L347V variant (also known as c.1039C>G), located in coding exon 6 of the CTNNA1 gene, results from a C to G substitution at nucleotide position 1039. The leucine at codon 347 is replaced by valine, an amino acid with highly similar properties. This amino acid position is conserved. In addition, the in silico prediction for this alteration is inconclusive. Since supporting evidence is limited at this time, the clinical significance of this alteration remains unclear.

NM_001903.5(CTNNA1):c.1039C>G (p.Leu347Val)

Gene: CTNNA1 (catenin alpha 1; plus strand). Cytogenetic location: 5q31.2.
Variant type: single nucleotide variant.
Coding change: c.1039C>G on transcript NM_001903.5 (MANE Select); coding-DNA position 1039, C replaced by G.
Protein change: p.Leu347Val; replaces leucine 347 with valine.
Molecular consequence: missense variant.
Genome position (GRCh38, 1-based): chr5:138,827,695, C>G. VCF-style: chr5-138827695-C-G. GRCh37 (hg19) VCF-style: chr5-138163384-C-G.
Other names: c.1039C>G, p.Leu347Val (NM_001290307.3, NM_001323982.2, NM_001323983.1 and 3 more transcripts); c.730C>G, p.Leu244Val (NM_001290309.3); c.670C>G, p.Leu224Val (NM_001290310.3); short protein forms L224V, L244V, L347V.
Identifiers: ClinVar variation 3221865 (VCV003221865.1), dbSNP rs2532448319, ClinGen allele CA361131267.